The following is an entry in ClinVar:

NM_000350.3(ABCA4):c.4402C>G (p.Pro1468Ala)

Gene: ABCA4 (ATP binding cassette subfamily A member 4; minus strand). Cytogenetic location: 1p22.1.
Variant type: single nucleotide variant.
Coding change: c.4402C>G on transcript NM_000350.3 (MANE Select); coding-DNA position 4402, C replaced by G.
Protein change: p.Pro1468Ala; replaces proline 1468 with alanine.
Molecular consequence: missense variant.
Genome position (GRCh38, 1-based): chr1:94,029,582, G>C on the plus strand (C>G on the coding strand, the complement: ABCA4 is on the minus strand). VCF-style: chr1-94029582-G-C. GRCh37 (hg19) VCF-style: chr1-94495138-G-C.
Other names: c.4180C>G, p.Pro1394Ala (NM_001425324.1); short protein forms P1468A, P1394A.
Identifiers: ClinVar variation 1010801 (VCV001010801.13), dbSNP rs775082837, ClinGen allele CA341285205.

ClinVar aggregate classification (germline): Uncertain significance. Review status: criteria provided, multiple submitters, no conflicts (2 of 4 stars). 5 submissions from 5 submitters: Uncertain significance (2). 3 of the submissions do not count toward it. Last evaluated 2023-11-14.

Conditions:
Retinal dystrophy. Also called: Inherited retinal dystrophy. Identifiers: Orphanet 71862, MedGen C0854723, MeSH D058499, MONDO:0019118, HP:0000556.

Allele frequency attached by ClinVar (database versions not stated): TOPMed below 0.00001; gnomAD 0.00002.

Submissions (5):

Blueprint Genetics
Classification: Uncertain significance. Last evaluated: 2023-11-14. Review status: criteria provided, single submitter. Criteria: ACMG Guidelines, 2015. Collection method: clinical testing. Allele origin: germline.

Labcorp Genetics (formerly Invitae), Labcorp
Classification: Uncertain significance. Last evaluated: 2022-07-07. Review status: criteria provided, single submitter. Criteria: Invitae Variant Classification Sherloc (09022015). Collection method: clinical testing. Allele origin: germline.
Comment: This sequence change replaces proline, which is neutral and non-polar, with alanine, which is neutral and non-polar, at codon 1468 of the ABCA4 protein (p.Pro1468Ala). This variant is present in population databases (no rsID available, gnomAD 0.006%). This variant has not been reported in the literature in individuals affected with ABCA4-related conditions. ClinVar contains an entry for this variant (Variation ID: 1010801). Advanced modeling of protein sequence and biophysical properties (such as structural, functional, and spatial information, amino acid conservation, physicochemical variation, residue mobility, and thermodynamic stability) performed at Invitae indicates that this missense variant is not expected to disrupt ABCA4 protein function. In summary, the available evidence is currently insufficient to determine the role of this variant in disease. Therefore, it has been classified as a Variant of Uncertain Significance.

Institute of Human Genetics, Univ. Regensburg, Univ. Regensburg
Classification: Uncertain significance for Retinal dystrophy. Last evaluated: 2023-01-01. Review status: no assertion criteria provided. Criteria: ACMG Guidelines, 2015. Collection method: clinical testing. Allele origin: germline. Affected: yes. Not counted in ClinVar's aggregate classification.

Clinical Genetics, Academic Medical Center
Classification: Uncertain significance. Review status: no assertion criteria provided. Collection method: clinical testing. Allele origin: germline. Affected: yes. Study: VKGL Data-share Consensus. Not counted in ClinVar's aggregate classification.

Joint Genome Diagnostic Labs from Nijmegen and Maastricht, Radboudumc and MUMC+
Classification: Uncertain significance. Review status: no assertion criteria provided. Collection method: clinical testing. Allele origin: germline. Affected: yes. Study: VKGL Data-share Consensus. Not counted in ClinVar's aggregate classification.